The following is an entry in ClinVar:

ClinVar aggregate classification (germline): Uncertain significance (1 of 4 stars; one submission).

Conditions:
Hereditary cancer-predisposing syndrome. Also called: Hereditary Cancer Syndrome; Neoplastic Syndromes, Hereditary; Tumor predisposition; Hereditary neoplastic syndrome. Identifiers: Orphanet 140162, MedGen C0027672, MeSH D009386, MONDO:0015356.

Submission:

Ambry Genetics
Classification: Uncertain significance for Hereditary cancer-predisposing syndrome. Last evaluated: 2026-06-16. Review status: criteria provided, single submitter. Criteria: Ambry Variant Classification Scheme 2023. Collection method: clinical testing. Allele origin: germline.
Comment: The p.M1? variant (also known as c.-3_1delAAGAinsG) is located in coding exon 1 of the CDKN1B gene and results from a deletion of 4 nucleotides and insertion of 1 nucleotide at positions c.-3 to c.1. This alters the methionine residue at the initiation codon. Variations that modify the initiation codon (ATG) are expected to result in either loss of translation initiation, N-terminal truncation, or cause a shift in the mRNA reading frame; however, there is an in-frame methionine 15 amino acids from the initiation site, which may result in N-terminal truncation of unknown functional significance. Based on the available evidence, the clinical significance of this variant remains unclear.

NM_004064.5(CDKN1B):c.-3_1delinsG (p.Met1del)

Gene: CDKN1B (cyclin dependent kinase inhibitor 1B; plus strand). Cytogenetic location: 12p13.1.
Variant type: Indel.
Coding change: c.-3_1delinsG on transcript NM_004064.5 (MANE Select); 3 bases upstream of the start codon through coding-DNA position 1, AAGA replaced by G.
Protein change: p.Met1del; deletes methionine 1.
Molecular consequence: initiator codon variant.
Genome position (GRCh38, 1-based): chr12:12,717,837-12,717,840, AAGA replaced by G. VCF-style: chr12-12717837-AAGA-G. GRCh37 (hg19) VCF-style: chr12-12870771-AAGA-G.
Other names: short protein forms M1del.
Identifiers: ClinVar variation 5034226 (VCV005034226.1).
Genomic context (GRCh38, chr12:12,717,837, plus strand): 5'-GTTTTGTTCGGTTTTGTTTTTTTGAGAGTGCGAGAGAGGCGGTCGTGCAGACCCGGGAGA[AAGA>G]TGTCAAACGTGCGAGTGTCTAACGGGAGCCCTAGCCTGGAGCGGATGGACGCCAGGCAGG-3'